The following is an entry in ClinVar:

NM_152384.3(BBS5):c.785T>C (p.Ile262Thr)

Gene: BBS5 (Bardet-Biedl syndrome 5; plus strand). Cytogenetic location: 2q31.1.
Variant type: single nucleotide variant.
Coding change: c.785T>C on transcript NM_152384.3 (MANE Select); coding-DNA position 785, T replaced by C.
Protein change: p.Ile262Thr; replaces isoleucine 262 with threonine.
Molecular consequence: missense variant.
Genome position (GRCh38, 1-based): chr2:169,499,589, T>C. VCF-style: chr2-169499589-T-C. GRCh37 (hg19) VCF-style: chr2-170356099-T-C.
Other names: short protein forms I262T.
Identifiers: ClinVar variation 3479931 (VCV003479931.2).

ClinVar aggregate classification (germline): Uncertain significance. Review status: criteria provided, multiple submitters, no conflicts (2 of 4 stars). 2 submissions from 2 submitters: Uncertain significance (2). Last evaluated 2026-02-27.

Conditions:
BBS5-related disorder. Also called: BBS5-related condition.
Inborn genetic diseases. Identifiers: MedGen C0950123, MeSH D030342.

gnomAD v4.1: 18 of 1,613,732 alleles (0.0011%); highest among the groups gnomAD compares: African/African-American, 0.016%; no homozygotes.

Submissions (2):

PreventionGenetics, part of Exact Sciences
Classification: Uncertain significance for BBS5-related condition. Last evaluated: 2026-02-27. Review status: criteria provided, single submitter. Criteria: ACMG Guidelines, 2015. Collection method: clinical testing. Allele origin: germline.
Comment: The BBS5 c.785T>C variant is predicted to result in the amino acid substitution p.Ile262Thr. To our knowledge, this variant has not been reported in the literature. This variant is reported in 0.020% of alleles in individuals of African descent in gnomAD. At this time, the clinical significance of this variant is uncertain due to the absence of conclusive functional and genetic evidence.

Ambry Genetics
Classification: Uncertain significance for Inborn genetic diseases. Last evaluated: 2024-11-24. Review status: criteria provided, single submitter. Criteria: Ambry Variant Classification Scheme 2023. Collection method: clinical testing. Allele origin: germline.